The following is an entry in ClinVar:

ClinVar aggregate classification (germline): Uncertain significance (1 of 4 stars; one submission).

Conditions:
Optic atrophy 3 (OPA3). Also called: OPTIC ATROPHY 3, AUTOSOMAL DOMINANT; Optic atrophy, cataract, and neurologic disorder; Optic atrophy 3 with cataract. Identifiers: Orphanet 67036, MedGen C1833809, MONDO:0008133, OMIM 165300.
3-Methylglutaconic aciduria type 3 (MGCA3). Also called: Costeff Syndrome; OPA3, AUTOSOMAL RECESSIVE; OPTIC ATROPHY 3, AUTOSOMAL RECESSIVE; OPA3-Related 3-Methylglutaconic Aciduria. Identifiers: Orphanet 67047, MedGen C0574084, MONDO:0009787, OMIM 258501.

Submission:

Labcorp Genetics (formerly Invitae), Labcorp
Classification: Uncertain significance for 3-Methylglutaconic aciduria type 3; Optic atrophy 3. Last evaluated: 2021-06-14. Review status: criteria provided, single submitter. Criteria: Invitae Variant Classification Sherloc (09022015). Collection method: clinical testing. Allele origin: germline.
Comment: This sequence change replaces glycine with valine at codon 80 of the OPA3 protein (p.Gly80Val). The glycine residue is highly conserved and there is a moderate physicochemical difference between glycine and valine. This variant is not present in population databases (ExAC no frequency). This variant has not been reported in the literature in individuals with OPA3-related conditions. Algorithms developed to predict the effect of missense changes on protein structure and function (SIFT, PolyPhen-2, Align-GVGD) all suggest that this variant is likely to be disruptive, but these predictions have not been confirmed by published functional studies and their clinical significance is uncertain. In summary, the available evidence is currently insufficient to determine the role of this variant in disease. Therefore, it has been classified as a Variant of Uncertain Significance.

NM_025136.4(OPA3):c.239G>T (p.Gly80Val)

Genes: OPA3 (outer mitochondrial membrane lipid metabolism regulator OPA3; minus strand), OPA3-RTN2 (OPA3-RTN2 readthrough; minus strand). Cytogenetic location: 19q13.32.
Variant type: single nucleotide variant.
Coding change: c.239G>T on transcript NM_025136.4 (MANE Select); coding-DNA position 239, G replaced by T.
Protein change: p.Gly80Val; replaces glycine 80 with valine.
Molecular consequence: missense variant. On other transcripts: intron variant (1).
Genome position (GRCh38, 1-based): chr19:45,553,815, C>A on the plus strand (G>T on the coding strand, the complement: OPA3 is on the minus strand). VCF-style: chr19-45553815-C-A. GRCh37 (hg19) VCF-style: chr19-46057073-C-A.
Other names: c.143-24359G>T (NM_001017989.3); short protein forms G80V.
Identifiers: ClinVar variation 1359221 (VCV001359221.8), dbSNP rs2122440257, ClinGen allele CA406371123.
Genomic context (GRCh38, chr19:45,553,815, plus strand): 5'-TCCAGCACTAGGCAGCCGCCGCCCACGATGAAGATGGTGGCTTCGCCCAGCAGCTCTGCG[C>A]CCAGCTCAGCTGCCGCCTCCTCGTTCAGCGGCTTGATGACCGTGCCCCGGAAGCCCATGA-3'
Protein context (NP_079412.1, residues 70-90): PLNEEAAAEL[Gly80Val]AELLGEATIF